The following is an entry in ClinVar:

NM_006186.4(NR4A2):c.947A>G (p.Gln316Arg)

Gene: NR4A2 (nuclear receptor subfamily 4 group A member 2; minus strand). Cytogenetic location: 2q24.1.
Variant type: single nucleotide variant.
Coding change: c.947A>G on transcript NM_006186.4 (MANE Select); coding-DNA position 947, A replaced by G.
Protein change: p.Gln316Arg; replaces glutamine 316 with arginine.
Molecular consequence: missense variant.
Genome position (GRCh38, 1-based): chr2:156,328,451, T>C on the plus strand (A>G on the coding strand, the complement: NR4A2 is on the minus strand). VCF-style: chr2-156328451-T-C. GRCh37 (hg19) VCF-style: chr2-157184963-T-C.
Other names: c.758A>G, p.Gln253Arg (NM_173173.3); short protein forms Q253R, Q316R.
Identifiers: ClinVar variation 2498142 (VCV002498142.1), dbSNP rs2468282651, ClinGen allele CA348681305.
Genomic context (GRCh38, chr2:156,328,451, plus strand): 5'-CCCCTCAGCCTACCTTCTTTGACCATCCCAACAGCCAGGCACTTCTGAAATCGGCAGTAC[T>C]GACAGCGATTCCGGCGACGCTTGTCCACTGGGCAGTTTTTATTTGCTAAACACACGTATT-3'
Protein context (NP_006177.1, residues 306-326): PVDKRRRNRC[Gln316Arg]YCRFQKCLAV

ClinVar aggregate classification (germline): Uncertain significance (1 of 4 stars; one submission).

Conditions:
Intellectual developmental disorder with language impairment and early-onset DOPA-responsive dystonia-parkinsonism (IDLDP). Identifiers: Orphanet 660017, MedGen C5677001, MONDO:0859257, OMIM 619911.

Submission:

Center for Human Genetics and Genomic Medicine, Uniklinik Rwth Aachen
Classification: Uncertain significance for Intellectual developmental disorder with language impairment and early-onset DOPA-responsive dystonia-parkinsonism. Last evaluated: 2023-03-29. Review status: criteria provided, single submitter. Criteria: ACMG Guidelines, 2015. Collection method: clinical testing. Allele origin: unknown. Inheritance: Autosomal dominant inheritance. Affected: yes. Observed: 1 heterozygote.
Comment: The detected change is not reported in the general population (gnomAD) and has not yet been described in the literature (as of March 29, 2023). Bioinformatically, the change is classified as "likely disease-causing" (CADDphred 27). Based on the current state of knowledge, the variant can be classified as a “variant of unclear clinical significance” (ACMG criteria).